The following is an entry in ClinVar:

ClinVar aggregate classification (germline): Uncertain significance (1 of 4 stars; one submission).

Conditions:
Intellectual developmental disorder with seizures and language delay (IDDSELD). Identifiers: MedGen C5436574, MONDO:0033559, OMIM 619000.

Submission:

OLLIN Analises Genomicas, OLLIN
Classification: Uncertain significance for Intellectual developmental disorder with seizures and language delay. Last evaluated: 2026-08-06. Review status: criteria provided, single submitter. Criteria: ACMG Guidelines 2015 PMID 25741868. Collection method: clinical testing. Allele origin: germline. Inheritance: Autosomal dominant inheritance.
Comment: This missense variant, located in exon 6 (of 17), is absent from gnomAD and ClinVar and has not been identified in the literature. In silico analysis predicts that this variant has a tolerated effect. This gene is constrained for missense variation. According to the currently available evidence, this variant has been classified as uncertain significance (PM2_P, PP2, BP4).

NM_001353345.2(SETD1B):c.1024G>T (p.Ala342Ser)

Gene: SETD1B (SET domain containing 1B, histone lysine methyltransferase; plus strand). Cytogenetic location: 12q24.31.
Variant type: single nucleotide variant.
Coding change: c.1024G>T on transcript NM_001353345.2 (MANE Select); coding-DNA position 1024, G replaced by T.
Protein change: p.Ala342Ser; replaces alanine 342 with serine.
Molecular consequence: missense variant.
Genome position (GRCh38, 1-based): chr12:121,809,969, G>T. VCF-style: chr12-121809969-G-T. GRCh37 (hg19) VCF-style: chr12-122247875-G-T.
Other names: short protein forms A342S.
Identifiers: ClinVar variation 5003102 (VCV005003102.1).